The following is an entry in ClinVar:

NM_001361.5(DHODH):c.1177C>G (p.His393Asp)

Genes: DHODH (dihydroorotate dehydrogenase (quinone); plus strand), LOC126862390 (MED14-independent group 3 enhancer GRCh37_chr16:72057307-72058506; plus strand). Cytogenetic location: 16q22.2.
Variant type: single nucleotide variant.
Coding change: c.1177C>G on transcript NM_001361.5 (MANE Select); coding-DNA position 1177, C replaced by G.
Protein change: p.His393Asp; replaces histidine 393 with aspartic acid.
Molecular consequence: missense variant.
Genome position (GRCh38, 1-based): chr16:72,024,188, C>G. VCF-style: chr16-72024188-C-G. GRCh37 (hg19) VCF-style: chr16-72058087-C-G.
Other names: short protein forms H393D.
Identifiers: ClinVar variation 3901946 (VCV003901946.1).

ClinVar aggregate classification (germline): Uncertain significance (1 of 4 stars; one submission).

Conditions:
Miller syndrome (POADS). Also called: Genee-Wiedemann acrofacial dysostosis; GENEE-WIEDEMANN SYNDROME. Identifiers: Orphanet 246, MedGen C0265257, MONDO:0009903, OMIM 263750.

Submission:

Laboratorio de Genetica e Diagnostico Molecular, Hospital Israelita Albert Einstein
Classification: Uncertain significance for Miller syndrome. Last evaluated: 2024-04-11. Review status: criteria provided, single submitter. Criteria: ACMG Guidelines, 2015. Collection method: clinical testing. Allele origin: germline. Affected: yes.
Comment: ACMG classification criteria: PM2 supporting, PM3 supporting, PP2 supporting